The following is an entry in ClinVar:

NM_005670.4(EPM2A):c.281G>A (p.Gly94Glu)

Genes: EPM2A (EPM2A glucan phosphatase, laforin; minus strand), EPM2A-DT (EPM2A divergent transcript; plus strand), LOC129997381 (ATAC-STARR-seq lymphoblastoid silent region 17642; plus strand). Cytogenetic location: 6q24.3.
Variant type: single nucleotide variant.
Coding change: c.281G>A on transcript NM_005670.4 (MANE Select); coding-DNA position 281, G replaced by A.
Protein change: p.Gly94Glu; replaces glycine 94 with glutamic acid.
Molecular consequence: missense variant. On other transcripts: 5 prime UTR variant (2), intron variant (2).
Genome position (GRCh38, 1-based): chr6:145,735,218, C>T on the plus strand (G>A on the coding strand, the complement: EPM2A is on the minus strand). VCF-style: chr6-145735218-C-T. GRCh37 (hg19) VCF-style: chr6-146056354-C-T.
Other names: c.281G>A, p.Gly94Glu (NM_001018041.2, NM_001360057.2, NM_001368130.1); c.-389G>A (NM_001360071.2); c.-343G>A (NM_001368129.2); c.-114+690G>A (NM_001360064.2); c.-114+27G>A (NM_001368131.1); short protein forms G94E.
Identifiers: ClinVar variation 1386609 (VCV001386609.6), dbSNP rs2128649334, ClinGen allele CA366187880.

ClinVar aggregate classification (germline): Uncertain significance (1 of 4 stars; one submission).

Conditions:
Progressive myoclonic epilepsy. Also called: Myoclonus epilepsy; Progressive myoclonus epilepsy; Familial progressive myoclonic epilepsy; Myoclonic Epilepsies, Progressive. Identifiers: Orphanet 308, Orphanet 98261, MedGen C0751778, MONDO:0020074.

gnomAD v4.1: 1 of 1,532,316 alleles (0.000065%); highest among the groups gnomAD compares: Middle Eastern, 0.018%; no homozygotes.

Submission:

Labcorp Genetics (formerly Invitae), Labcorp
Classification: Uncertain significance for Progressive myoclonic epilepsy. Last evaluated: 2022-07-26. Review status: criteria provided, single submitter. Criteria: Invitae Variant Classification Sherloc (09022015). Collection method: clinical testing. Allele origin: germline.
Comment: This variant has not been reported in the literature in individuals affected with EPM2A-related conditions. This variant is not present in population databases (gnomAD no frequency). This sequence change replaces glycine, which is neutral and non-polar, with glutamic acid, which is acidic and polar, at codon 94 of the EPM2A protein (p.Gly94Glu). ClinVar contains an entry for this variant (Variation ID: 1386609). In summary, the available evidence is currently insufficient to determine the role of this variant in disease. Therefore, it has been classified as a Variant of Uncertain Significance. Algorithms developed to predict the effect of missense changes on protein structure and function are either unavailable or do not agree on the potential impact of this missense change (SIFT: "Deleterious"; PolyPhen-2: "Benign"; Align-GVGD: "Class C0").